The following is an entry in ClinVar:

NM_001754.5(RUNX1):c.639_640del (p.Gln213fs)

Gene: RUNX1 (RUNX family transcription factor 1; minus strand). Cytogenetic location: 21q22.12.
Variant type: Deletion.
Coding change: c.639_640del on transcript NM_001754.5 (MANE Select); coding-DNA positions 639 to 640, 2 bases deleted (GA; older notation c.639_640delGA).
Protein change: p.Gln213fs; shifts the reading frame from glutamine 213.
Molecular consequence: frameshift variant.
Genome position (GRCh38, 1-based): chr21:34,834,575-34,834,576, TC deleted on the plus strand (GA on the coding strand, the reverse complement: RUNX1 is on the minus strand); deleting any 2 consecutive bases within chr21:34,834,575-34,834,577 gives the same sequence; the c. name uses the placement nearest the transcript's 3' end. VCF-style (leftmost placement, unchanged base first): chr21-34834574-GTC-G. GRCh37 (hg19) VCF-style: chr21-36206871-GTC-G.
Other names: c.558_559del, p.Gln186fs (NM_001001890.3, NM_001122607.2); short protein forms Q186fs, Q213fs.
Identifiers: ClinVar variation 4685940 (VCV004685940.1).
Genomic context (GRCh38, chr21:34,834,574, plus strand): 5'-GTGCGCCGCAGCTGCTCCAGTTCACTGAGCCGCTCGGAAAAGGACAAGCTCCCGGGCTTG[GTC>G]TGATCATCTAGTTTCTGCCGATGTCCTATTGTGGGGAGCAGGGAGGGGAGGGGATGGGGG-3'

ClinVar aggregate classification (germline): Likely pathogenic (1 of 4 stars; one submission).

Submission:

ARUP Laboratories, Molecular Genetics and Genomics, ARUP Laboratories
Classification: Likely pathogenic. Last evaluated: 2025-07-03. Review status: criteria provided, single submitter. Criteria: ARUP Molecular Germline Variant Investigation Process 2024. Collection method: clinical testing. Allele origin: germline.
Comment: The RUNX1 c.639_640del; p.Gln213HisfsTer14 variant, to our knowledge, is not reported in the medical literature or gene specific databases. This variant is also absent from the Genome Aggregation Database (v2.1.1), indicating it is not a common polymorphism. This variant causes a frameshift by deleting two nucleotides, so it is predicted to result in a truncated protein or mRNA subject to nonsense-mediated decay. Based on available information, this variant is considered to be likely pathogenic.